The following is an entry in ClinVar:

NM_000213.5(ITGB4):c.5132C>T (p.Pro1711Leu)

Genes: GALK1 (galactokinase 1; minus strand), ITGB4 (integrin subunit beta 4; plus strand). Cytogenetic location: 17q25.1.
Variant type: single nucleotide variant.
Coding change: c.5132C>T on transcript NM_000213.5 (MANE Select); coding-DNA position 5132, C replaced by T.
Protein change: p.Pro1711Leu; replaces proline 1711 with leucine.
Molecular consequence: missense variant. On other transcripts: intron variant (1).
Genome position (GRCh38, 1-based): chr17:75,757,021, C>T. VCF-style: chr17-75757021-C-T. GRCh37 (hg19) VCF-style: chr17-73753102-C-T.
Other names: c.5081C>T, p.Pro1694Leu (NM_001005619.2); c.4922C>T, p.Pro1641Leu (NM_001005731.3, NM_001321123.2); c.4772C>T, p.Pro1591Leu (NM_001438834.1); c.*22+1013G>A (NM_001381985.1); short protein forms P1641L, P1694L, P1711L, P1591L.
Identifiers: ClinVar variation 3239605 (VCV003239605.18), dbSNP rs1159222833.

ClinVar aggregate classification (germline): Uncertain significance (1 of 4 stars; one submission).

Allele frequency attached by ClinVar (database versions not stated): TOPMed 0.00001; gnomAD exomes below 0.00001.
gnomAD v4.1: 5 of 1,612,602 alleles (0.00031%); highest among the groups gnomAD compares: South Asian, 0.0022%; no homozygotes.

Submission:

CeGaT Center for Human Genetics Tuebingen
Classification: Uncertain significance. Last evaluated: 2024-05-01. Review status: criteria provided, single submitter. Criteria: CeGaT Center For Human Genetics Tuebingen Variant Classification Criteria Version 2. Collection method: clinical testing. Allele origin: germline. Affected: yes. Observed: 1 variant allele.
Comment: ITGB4: PM2